The following is an entry in ClinVar:

ClinVar aggregate classification (germline): Pathogenic (1 of 4 stars; one submission).

Conditions:
Primary hyperoxaluria type 3. Also called: PH III. Identifiers: Orphanet 416, Orphanet 93600, MedGen C3150878, MONDO:0013327, OMIM 613616. Disease mechanism: loss of function.

Submission:

Myriad Genetics, Inc.
Classification: Pathogenic for Primary hyperoxaluria type 3. Last evaluated: 2025-11-10. Review status: criteria provided, single submitter. Criteria: Myriad Autosomal Dominant, Autosomal Recessive and X-Linked Classification Criteria (2023). Collection method: clinical testing. Allele origin: unknown.
Comment: NM_138413.3(HOGA1):c.321delA(A108Lfs*14) is a frameshift variant classified as pathogenic in the context of primary hyperoxaluria type 3. A108Lfs*14 has not been observed in cases with relevant disease. Relevant functional assessments of this variant are not available in the literature. A108Lfs*14 has not been observed in referenced population frequency databases. In summary, NM_138413.3(HOGA1):c.321delA(A108Lfs*14) is a frameshift variant in a gene where loss of function is a known mechanism of disease and is predicted to disrupt protein function. Please note: this variant was assessed in the context of healthy population screening.

NM_138413.4(HOGA1):c.321del (p.Ala108fs)

Gene: HOGA1 (4-hydroxy-2-oxoglutarate aldolase 1; plus strand). Cytogenetic location: 10q24.2.
Variant type: Deletion.
Coding change: c.321del on transcript NM_138413.4 (MANE Select); coding-DNA position 321, one base deleted (A; older notation c.321delA).
Protein change: p.Ala108fs; shifts the reading frame from alanine 108.
Molecular consequence: frameshift variant. On other transcripts: intron variant (1).
Genome position (GRCh38, 1-based): chr10:97,598,884, A deleted. VCF-style (leftmost placement, unchanged base first): chr10-97598883-TA-T. GRCh37 (hg19) VCF-style: chr10-99358640-TA-T.
Other names: c.212-2973del (NM_001134670.2); short protein forms A108fs.
Identifiers: ClinVar variation 5004277 (VCV005004277.1).
Genomic context (GRCh38, chr10:97,598,883, plus strand): 5'-GTGAGCGCCTCGAGGTGGTGAGCCGTGTGCGCCAGGCCATGCCCAAGAACAGGCTCCTGC[TA>T]GCTGGCTCCGGATGCGAGTGTGAGCCAGAATGCCCTGGGCCCTGGGGGTGGGTGGATGTG-3'